The following is an entry in ClinVar:

NM_001271803.2(REEP2):c.210C>T (p.Ile70=)

Gene: REEP2 (receptor accessory protein 2; plus strand). Cytogenetic location: 5q31.2.
Variant type: single nucleotide variant.
Coding change: c.210C>T on transcript NM_001271803.2 (MANE Select); coding-DNA position 210, C replaced by T.
Protein change: p.Ile70=; no amino-acid change (isoleucine 70 retained).
Molecular consequence: synonymous variant. On other transcripts: non-coding transcript variant (2).
Genome position (GRCh38, 1-based): chr5:138,444,442, C>T. VCF-style: chr5-138444442-C-T. GRCh37 (hg19) VCF-style: chr5-137780131-C-T.
Other names: c.210C>T, p.Ile70= (NM_016606.4).
Identifiers: ClinVar variation 4872350 (VCV004872350.2).
Genomic context (GRCh38, chr5:138,444,442, plus strand): 5'-CCCTGTACTCTGCGCTTGCCCCTGTCCCAACAGGTTCCCCTTCTACTTTGAACTGAAGAT[C>T]GCCTTCGTGATATGGCTGCTGTCCCCTTACACCAAGGGCTCCAGCGTGCTCTACCGCAAG-3'
Protein context (NP_001258732.1, residues 60-80): SWFPFYFELK[Ile70=]AFVIWLLSPY

ClinVar aggregate classification (germline): Likely benign (1 of 4 stars; one submission).

gnomAD v4.1: 20 of 1,614,040 alleles (0.0012%); highest among the groups gnomAD compares: Admixed American, 0.027%; no homozygotes.

Submission:

CeGaT Center for Human Genetics Tuebingen
Classification: Likely benign. Last evaluated: 2026-04-01. Review status: criteria provided, single submitter. Criteria: CeGaT Center For Human Genetics Tuebingen Variant Classification Criteria Version 2. Collection method: clinical testing. Allele origin: germline. Affected: yes. Observed: 1 variant allele.
Comment: REEP2: BP4, BP7